The following is an entry in ClinVar:

ClinVar aggregate classification (germline): Likely benign. Review status: criteria provided, multiple submitters, no conflicts (2 of 4 stars). 3 submissions from 3 submitters: Likely benign (2). 1 of the submissions does not count toward it. Last evaluated 2026-01-26.

Conditions:
Combined malonic and methylmalonic acidemia. Identifiers: Orphanet 289504, MedGen C3280314, MONDO:0013661, OMIM 614265.
ACSF3-related disorder. Also called: ACSF3-related condition.

Allele frequency attached by ClinVar (database versions not stated): gnomAD exomes 0.00011; ExAC 0.00015; gnomAD 0.00030 and 0.00034; TOPMed 0.00033; 1000 Genomes Project 0.00040; ESP Exome Variant Server 0.00062.
gnomAD v4.1: 103 of 1,612,836 alleles (0.0064%); highest among the groups gnomAD compares: African/African-American, 0.092%; no homozygotes.

Submissions (3):

Labcorp Genetics (formerly Invitae), Labcorp
Classification: Likely benign for Combined malonic and methylmalonic acidemia. Last evaluated: 2026-01-26. Review status: criteria provided, single submitter. Criteria: Invitae Variant Classification Sherloc (09022015). Collection method: clinical testing. Allele origin: germline.

GeneDx
Classification: Likely benign. Last evaluated: 2016-01-23. Review status: criteria provided, single submitter. Criteria: GeneDx Variant Classification (06012015). Collection method: clinical testing. Allele origin: germline. Affected: yes.
Comment: This variant is considered likely benign or benign based on one or more of the following criteria: it is a conservative change, it occurs at a poorly conserved position in the protein, it is predicted to be benign by multiple in silico algorithms, and/or has population frequency not consistent with disease.

PreventionGenetics, part of Exact Sciences
Classification: Likely benign for ACSF3-related condition. Last evaluated: 2019-07-24. Review status: no assertion criteria provided. Collection method: clinical testing. Allele origin: germline. Not counted in ClinVar's aggregate classification.
Comment: This variant is classified as likely benign based on ACMG/AMP sequence variant interpretation guidelines (Richards et al. 2015 PMID: 25741868, with internal and published modifications).

NM_001243279.3(ACSF3):c.1629G>A (p.Pro543=)

Gene: ACSF3 (acyl-CoA synthetase family member 3; plus strand). Cytogenetic location: 16q24.3.
Variant type: single nucleotide variant.
Coding change: c.1629G>A on transcript NM_001243279.3 (MANE Select); coding-DNA position 1629, G replaced by A.
Protein change: p.Pro543=; no amino-acid change (proline 543 retained).
Molecular consequence: synonymous variant. On other transcripts: non-coding transcript variant (4).
Genome position (GRCh38, 1-based): chr16:89,154,105, G>A. VCF-style: chr16-89154105-G-A. GRCh37 (hg19) VCF-style: chr16-89220513-G-A.
Other names: c.1629G>A, p.Pro543= (NM_001127214.4, NM_174917.5); c.834G>A, p.Pro278= (NM_001284316.2).
Identifiers: ClinVar variation 381844 (VCV000381844.13), dbSNP rs146779456, ClinGen allele CA8238360.